The following is an entry in ClinVar:

NM_004055.5(CAPN5):c.1400G>A (p.Arg467His)

Gene: CAPN5 (calpain 5; plus strand). Cytogenetic location: 11q13.5.
Variant type: single nucleotide variant.
Coding change: c.1400G>A on transcript NM_004055.5 (MANE Select); coding-DNA position 1400, G replaced by A.
Protein change: p.Arg467His; replaces arginine 467 with histidine.
Molecular consequence: missense variant.
Genome position (GRCh38, 1-based): chr11:77,120,822, G>A. VCF-style: chr11-77120822-G-A. GRCh37 (hg19) VCF-style: chr11-76831868-G-A.
Other names: c.1400G>A (NM_004055.4); short protein forms R467H.
Identifiers: ClinVar variation 1370072 (VCV001370072.9), dbSNP rs142336480, ClinGen allele CA6196804.

ClinVar aggregate classification (germline): Uncertain significance. Review status: criteria provided, multiple submitters, no conflicts (2 of 4 stars). 2 submissions from 2 submitters: Uncertain significance (2). Last evaluated 2025-11-05.

Conditions:
Inborn genetic diseases. Identifiers: MedGen C0950123, MeSH D030342.

Allele frequency attached by ClinVar (database versions not stated): ExAC 0.00004; ESP Exome Variant Server 0.00015.
gnomAD v4.1: 18 of 1,614,022 alleles (0.0011%); highest among the groups gnomAD compares: African/African-American, 0.008%; no homozygotes.

Submissions (2):

Labcorp Genetics (formerly Invitae), Labcorp
Classification: Uncertain significance. Last evaluated: 2025-11-05. Review status: criteria provided, single submitter. Criteria: Invitae Variant Classification Sherloc (09022015). Collection method: clinical testing. Allele origin: germline.
Comment: This sequence change replaces arginine, which is basic and polar, with histidine, which is basic and polar, at codon 467 of the CAPN5 protein (p.Arg467His). This variant is present in population databases (rs142336480, gnomAD 0.01%). This variant has not been reported in the literature in individuals affected with CAPN5-related conditions. ClinVar contains an entry for this variant (Variation ID: 1370072). Invitae Evidence Modeling of protein sequence and biophysical properties (such as structural, functional, and spatial information, amino acid conservation, physicochemical variation, residue mobility, and thermodynamic stability) indicates that this missense variant is not expected to disrupt CAPN5 protein function with a negative predictive value of 80%. In summary, the available evidence is currently insufficient to determine the role of this variant in disease. Therefore, it has been classified as a Variant of Uncertain Significance.

Ambry Genetics
Classification: Uncertain significance for Inborn genetic diseases. Last evaluated: 2023-11-07. Review status: criteria provided, single submitter. Criteria: Ambry Variant Classification Scheme 2023. Collection method: clinical testing. Allele origin: germline.